The following is an entry in ClinVar:

NM_139057.4(ADAMTS17):c.727G>A (p.Asp243Asn)

Gene: ADAMTS17 (ADAM metallopeptidase with thrombospondin type 1 motif 17; minus strand). Cytogenetic location: 15q26.3.
Variant type: single nucleotide variant.
Coding change: c.727G>A on transcript NM_139057.4 (MANE Select); coding-DNA position 727, G replaced by A.
Protein change: p.Asp243Asn; replaces aspartic acid 243 with asparagine.
Molecular consequence: missense variant.
Genome position (GRCh38, 1-based): chr15:100,281,291, C>T on the plus strand (G>A on the coding strand, the complement: ADAMTS17 is on the minus strand). VCF-style: chr15-100281291-C-T. GRCh37 (hg19) VCF-style: chr15-100821496-C-T.
Other names: short protein forms D243N.
Identifiers: ClinVar variation 885681 (VCV000885681.6), dbSNP rs551851234, ClinGen allele CA7758595.

ClinVar aggregate classification (germline): Uncertain significance. Review status: criteria provided, multiple submitters, no conflicts (2 of 4 stars). 2 submissions from 2 submitters: Uncertain significance (2). Last evaluated 2022-08-28.

Conditions:
Weill-Marchesani 4 syndrome, recessive. Also called: Weill-Marchesani syndrome 4. Identifiers: Orphanet 363992, MedGen C2750787, MONDO:0013176, OMIM 613195.

Allele frequency attached by ClinVar (database versions not stated): gnomAD 0.00004 and 0.00007; TOPMed 0.00006; gnomAD exomes 0.00008 and 0.00017; 1000 Genomes Project 30x 0.00016; ExAC 0.00017; 1000 Genomes Project 0.00020.
gnomAD v4.1: 132 of 1,608,736 alleles (0.0082%); highest among the groups gnomAD compares: East Asian, 0.089%; no homozygotes.

Submissions (2):

Labcorp Genetics (formerly Invitae), Labcorp
Classification: Uncertain significance. Last evaluated: 2022-08-28. Review status: criteria provided, single submitter. Criteria: Invitae Variant Classification Sherloc (09022015). Collection method: clinical testing. Allele origin: germline.
Comment: This sequence change replaces aspartic acid, which is acidic and polar, with asparagine, which is neutral and polar, at codon 243 of the ADAMTS17 protein (p.Asp243Asn). This variant is present in population databases (rs551851234, gnomAD 0.09%). This variant has not been reported in the literature in individuals affected with ADAMTS17-related conditions. ClinVar contains an entry for this variant (Variation ID: 885681). Algorithms developed to predict the effect of missense changes on protein structure and function output the following: SIFT: "Not Available"; PolyPhen-2: "Benign"; Align-GVGD: "Not Available". The asparagine amino acid residue is found in multiple mammalian species, which suggests that this missense change does not adversely affect protein function. In summary, the available evidence is currently insufficient to determine the role of this variant in disease. Therefore, it has been classified as a Variant of Uncertain Significance.

Illumina Laboratory Services, Illumina
Classification: Uncertain significance for Weill-Marchesani 4 syndrome, recessive. Last evaluated: 2018-01-13. Review status: criteria provided, single submitter. Criteria: ICSL Variant Classification Criteria 13 December 2019. Collection method: clinical testing. Allele origin: germline.